The following is an entry in ClinVar:

ClinVar aggregate classification (germline): Likely pathogenic. Review status: criteria provided, multiple submitters, no conflicts (2 of 4 stars). 2 submissions from 2 submitters: Likely pathogenic (2). Last evaluated 2025-01-09.

Conditions:
Autosomal recessive nonsyndromic hearing loss 84A. Also called: DEAFNESS, AUTOSOMAL RECESSIVE 84A; DEAFNESS, AUTOSOMAL RECESSIVE 84A, WITH VESTIBULAR DYSFUNCTION. Identifiers: Orphanet 90636, MedGen C3150654, MONDO:0013249, OMIM 613391.
Hearing loss, autosomal dominant 73. Also called: DEAFNESS, AUTOSOMAL DOMINANT 73. Identifiers: MedGen C4540024, MONDO:0033260, OMIM 617663.

Submissions (2):

Institute of Rare Diseases, West China Hospital, Sichuan University
Classification: Likely pathogenic for Autosomal recessive nonsyndromic hearing loss 84A. Last evaluated: 2025-01-09. Review status: criteria provided, single submitter. Criteria: ClinGen HL ACMG Specifications v1. Collection method: research. Allele origin: germline. Affected: yes.
Comment: PVS1;PM2_Supporting

Juno Genomics, Hangzhou Juno Genomics, Inc
Classification: Likely pathogenic for Hearing loss, autosomal dominant 73; Autosomal recessive nonsyndromic hearing loss 84A. Review status: criteria provided, single submitter. Criteria: ACMG Guidelines, 2015. Collection method: clinical testing. Allele origin: germline.
Comment: Null variant in a gene where loss of function (LOF) is a known mechanism of disease.;Absent from controls (or at extremely low frequency if recessive) in Genome Aggregation Database.

NM_001145026.2(PTPRQ):c.6211G>T (p.Glu2071Ter)

Gene: PTPRQ (protein tyrosine phosphatase receptor type Q; plus strand). Cytogenetic location: 12q21.31.
Variant type: single nucleotide variant.
Coding change: c.6211G>T on transcript NM_001145026.2 (MANE Select); coding-DNA position 6211, G replaced by T.
Protein change: p.Glu2071Ter; replaces glutamic acid 2071 with a stop codon.
Molecular consequence: nonsense.
Genome position (GRCh38, 1-based): chr12:80,669,025, G>T. VCF-style: chr12-80669025-G-T. GRCh37 (hg19) VCF-style: chr12-81062804-G-T.
Other names: short protein forms E2071*.
Identifiers: ClinVar variation 3601708 (VCV003601708.3).